The following is an entry in ClinVar:

NM_001201543.2(FAM161A):c.1750A>T (p.Arg584Ter)

Gene: FAM161A (FAM161 centrosomal protein A; minus strand). Cytogenetic location: 2p15.
Variant type: single nucleotide variant.
Coding change: c.1750A>T on transcript NM_001201543.2 (MANE Select); coding-DNA position 1750, A replaced by T.
Protein change: p.Arg584Ter; replaces arginine 584 with a stop codon.
Molecular consequence: nonsense. On other transcripts: intron variant (1).
Genome position (GRCh38, 1-based): chr2:61,838,539, T>A on the plus strand (A>T on the coding strand, the complement: FAM161A is on the minus strand). VCF-style: chr2-61838539-T-A. GRCh37 (hg19) VCF-style: chr2-62065674-T-A.
Other names: c.1583+882A>T (NM_032180.3); short protein forms R584*.
Identifiers: ClinVar variation 1075311 (VCV001075311.7), dbSNP rs1477715874, ClinGen allele CA346985845.
Genomic context (GRCh38, chr2:61,838,539, plus strand): 5'-TTAAAAAAAAAAGAGTTTGAAAACCAGTGGTCTGGAGATTCAAGATTTTTTCATGATACC[T>A]GAGACATTTTACTCTGGATTTAGATATTTGAGCTAAACTTTGATGTGAGTCATAAGCCTT-3'

ClinVar aggregate classification (germline): Pathogenic (1 of 4 stars; one submission).

Allele frequency attached by ClinVar (database versions not stated): TOPMed below 0.00001.

Submission:

Labcorp Genetics (formerly Invitae), Labcorp
Classification: Pathogenic. Last evaluated: 2020-03-27. Review status: criteria provided, single submitter. Criteria: Invitae Variant Classification Sherloc (09022015). Collection method: clinical testing. Allele origin: germline.
Comment: For these reasons, this variant has been classified as Pathogenic. Loss-of-function variants in FAM161A are known to be pathogenic (PMID: 20705278, 20705279, 24651477). Algorithms developed to predict the effect of sequence changes on RNA splicing suggest that this variant may disrupt the consensus splice site, but this prediction has not been confirmed by published transcriptional studies. This variant has not been reported in the literature in individuals with FAM161A-related conditions. This variant is not present in population databases (ExAC no frequency). This sequence change creates a premature translational stop signal (p.Arg584*) in the FAM161A gene. It is expected to result in an absent or disrupted protein product.

Literature cited by the submitters: PubMed 20705278; PubMed 20705279; PubMed 24651477.